The following is an entry in ClinVar:

ClinVar aggregate classification (germline): Uncertain significance (1 of 4 stars; one submission).

gnomAD v4.1: 42 of 1,613,054 alleles (0.0026%); highest among the groups gnomAD compares: African/African-American, 0.054%; no homozygotes.

Submission:

Labcorp Genetics (formerly Invitae), Labcorp
Classification: Uncertain significance. Last evaluated: 2025-09-03. Review status: criteria provided, single submitter. Criteria: Invitae Variant Classification Sherloc (09022015). Collection method: clinical testing. Allele origin: germline.
Comment: This sequence change replaces glycine, which is neutral and non-polar, with cysteine, which is neutral and slightly polar, at codon 659 of the ERBB4 protein (p.Gly659Cys). This variant is present in population databases (rs145978648, gnomAD 0.07%), and has an allele count higher than expected for a pathogenic variant. This variant has not been reported in the literature in individuals affected with ERBB4-related conditions. ClinVar contains an entry for this variant (Variation ID: 3665825). Invitae Evidence Modeling of protein sequence and biophysical properties (such as structural, functional, and spatial information, amino acid conservation, physicochemical variation, residue mobility, and thermodynamic stability) indicates that this missense variant is not expected to disrupt ERBB4 protein function with a negative predictive value of 80%. In summary, the available evidence is currently insufficient to determine the role of this variant in disease. Therefore, it has been classified as a Variant of Uncertain Significance.

NM_005235.3(ERBB4):c.1975G>T (p.Gly659Cys)

Gene: ERBB4 (erb-b2 receptor tyrosine kinase 4; minus strand). Cytogenetic location: 2q34.
Variant type: single nucleotide variant.
Coding change: c.1975G>T on transcript NM_005235.3 (MANE Select); coding-DNA position 1975, G replaced by T.
Protein change: p.Gly659Cys; replaces glycine 659 with cysteine.
Molecular consequence: missense variant.
Genome position (GRCh38, 1-based): chr2:211,630,566, C>A on the plus strand (G>T on the coding strand, the complement: ERBB4 is on the minus strand). VCF-style: chr2-211630566-C-A. GRCh37 (hg19) VCF-style: chr2-212495291-C-A.
Other names: c.1975G>T, p.Gly659Cys (NM_001042599.2); short protein forms G659C.
Identifiers: ClinVar variation 3665825 (VCV003665825.2).